The following is an entry in ClinVar:

ClinVar aggregate classification (germline): Uncertain significance. Review status: criteria provided, multiple submitters, no conflicts (2 of 4 stars). 8 submissions from 6 submitters: Uncertain significance (8). Last evaluated 2026-04-17.

Conditions:
Cardiovascular phenotype. Identifiers: MedGen CN230736.
Dilated cardiomyopathy 1D. Identifiers: Orphanet 154, Orphanet 54260, MedGen C1832243, MONDO:0011095, OMIM 601494.
Cardiomyopathy, familial restrictive, 3. Identifiers: Orphanet 75249, MedGen C2676271, MONDO:0012900, OMIM 612422.
Hypertrophic cardiomyopathy 2. Also called: TNNT2-Related Familial Hypertrophic Cardiomyopathy. Identifiers: MedGen C1861864, MONDO:0007266, OMIM 115195.
Cardiomyopathy (CMYO). Also called: Cardiomyopathies. Identifiers: Orphanet 167848, MedGen C0878544, MONDO:0004994, HP:0001638. Inheritance: Various modes of inheritance.

Allele frequency attached by ClinVar (database versions not stated): gnomAD exomes below 0.00001; TOPMed 0.00002; gnomAD 0.00003.
gnomAD v4.1: 3 of 1,613,740 alleles (0.00019%); highest among the groups gnomAD compares: African/African-American, 0.0027%; no homozygotes.

Submissions (8):

Ambry Genetics
Classification: Uncertain significance for Cardiovascular phenotype. Last evaluated: 2026-04-17. Review status: criteria provided, single submitter. Criteria: Ambry Variant Classification Scheme 2023. Collection method: clinical testing. Allele origin: germline.
Comment: The c.579+3G>A intronic variant results from a G to A substitution 3 nucleotides after coding exon 11 in the TNNT2 gene. This nucleotide position is well conserved in available vertebrate species. In silico splice site analysis predicts that this alteration may result in the creation or strengthening of a novel splice acceptor site. Based on the available evidence, the clinical significance of this variant remains unclear.

Labcorp Genetics (formerly Invitae), Labcorp
Classification: Uncertain significance for Cardiomyopathy, familial restrictive, 3; Hypertrophic cardiomyopathy 2; Dilated cardiomyopathy 1D. Last evaluated: 2026-01-06. Review status: criteria provided, single submitter. Criteria: Invitae Variant Classification Sherloc (09022015). Collection method: clinical testing. Allele origin: germline.
Comment: This sequence change falls in intron 12 of the TNNT2 gene. It does not directly change the encoded amino acid sequence of the TNNT2 protein. It affects a nucleotide within the consensus splice site. This variant is present in population databases (no rsID available, gnomAD 0.01%). This variant has not been reported in the literature in individuals affected with TNNT2-related conditions. ClinVar contains an entry for this variant (Variation ID: 569640). Variants that disrupt the consensus splice site are a relatively common cause of aberrant splicing (PMID: 17576681, 9536098). Algorithms developed to predict the effect of sequence changes on RNA splicing suggest that this variant is not likely to affect RNA splicing. In summary, the available evidence is currently insufficient to determine the role of this variant in disease. Therefore, it has been classified as a Variant of Uncertain Significance.

All of Us Research Program, National Institutes of Health
Classification: Uncertain significance for Cardiomyopathy. Last evaluated: 2024-07-20. Review status: criteria provided, single submitter. Criteria: ACMG Guidelines, 2015. Collection method: clinical testing. Allele origin: germline. Inheritance: Autosomal dominant inheritance. Observed: 4 variant alleles, 4 heterozygotes.
Comment: This variant causes a G to A nucleotide substitution at the +3 position of intron 12 of the TNNT2 gene. Splice site prediction tools are inconclusive regarding the impact of this variant on RNA splicing. To our knowledge, functional studies have not been reported for this variant. This variant has not been reported in individuals affected with TNNT2-related disorders in the literature. This variant has been identified in 1/31382 chromosomes in the general population by the Genome Aggregation Database (gnomAD). The available evidence is insufficient to determine the role of this variant in disease conclusively. Therefore, this variant is classified as a Variant of Uncertain Significance.

This study involves interpretation of variants in research participants for the purpose of population health screening. Participant phenotype was not available at the time of variant classification. Additional details can be found in publication PMID: 35346344, PMCID: PMC8962531

Color Diagnostics, LLC DBA Color Health
Classification: Uncertain significance for Cardiomyopathy. Last evaluated: 2024-07-12. Review status: criteria provided, single submitter. Criteria: ACMG Guidelines, 2015. Collection method: clinical testing. Allele origin: germline.
Comment: This variant causes a G to A nucleotide substitution at the +3 position of intron 12 of the TNNT2 gene. To our knowledge, functional studies have not been reported for this variant. This variant has not been reported in individuals affected with TNNT2-related disorders in the literature. This variant has been identified in 1/31382 chromosomes in the general population by the Genome Aggregation Database (gnomAD). The available evidence is insufficient to determine the role of this variant in disease conclusively. Therefore, this variant is classified as a Variant of Uncertain Significance.

Genome-Nilou Lab
Classification: Uncertain significance for Dilated cardiomyopathy 1D. Last evaluated: 2023-04-11. Review status: criteria provided, single submitter. Criteria: ACMG Guidelines, 2015. Collection method: clinical testing. Allele origin: germline. Affected: no.

Genome-Nilou Lab
Classification: Uncertain significance for Cardiomyopathy, familial restrictive, 3. Last evaluated: 2023-04-11. Review status: criteria provided, single submitter. Criteria: ACMG Guidelines, 2015. Collection method: clinical testing. Allele origin: germline. Affected: no.

Genome-Nilou Lab
Classification: Uncertain significance for Hypertrophic cardiomyopathy 2. Last evaluated: 2023-04-11. Review status: criteria provided, single submitter. Criteria: ACMG Guidelines, 2015. Collection method: clinical testing. Allele origin: germline. Affected: no.

Breakthrough Genomics
Classification: Uncertain significance. Review status: criteria provided, single submitter. Criteria: ACMG Guidelines, 2015. Collection method: not provided. Allele origin: germline. Inheritance: Autosomal dominant inheritance. Affected: yes.

Literature cited by the submitters: PubMed 17576681 (cited by Labcorp Genetics (formerly Invitae), Labcorp); PubMed 9536098 (cited by Labcorp Genetics (formerly Invitae), Labcorp).

NM_001276345.2(TNNT2):c.609+3G>A

Gene: TNNT2 (troponin T2, cardiac type; minus strand). Cytogenetic location: 1q32.1.
Variant type: single nucleotide variant.
Coding change: c.609+3G>A on transcript NM_001276345.2 (MANE Select); 3 bases into the intron after coding-DNA position 609, G replaced by A.
Molecular consequence: intron variant.
Genome position (GRCh38, 1-based): chr1:201,362,383, C>T on the plus strand (G>A on the coding strand, the complement: TNNT2 is on the minus strand). VCF-style: chr1-201362383-C-T. GRCh37 (hg19) VCF-style: chr1-201331511-C-T.
Other names: c.561+3G>A (NM_001001432.3); c.571-361G>A (NM_001001431.3); c.579+3G>A (NM_001001430.3, NM_001276347.2); c.481-361G>A (NM_001276346.2); c.601-361G>A (NM_000364.4).
Identifiers: ClinVar variation 569640 (VCV000569640.17), dbSNP rs997358710, ClinGen allele CA35419078.